The following is an entry in ClinVar:

NM_001366110.1(PAX4):c.421C>T (p.Arg141Trp)

Gene: PAX4 (paired box 4; minus strand). Cytogenetic location: 7q32.1.
Variant type: single nucleotide variant.
Coding change: c.421C>T on transcript NM_001366110.1 (MANE Select); coding-DNA position 421, C replaced by T.
Protein change: p.Arg141Trp; replaces arginine 141 with tryptophan.
Molecular consequence: missense variant.
Genome position (GRCh38, 1-based): chr7:127,614,497, G>A on the plus strand (C>T on the coding strand, the complement: PAX4 is on the minus strand). VCF-style: chr7-127614497-G-A. GRCh37 (hg19) VCF-style: chr7-127254551-G-A.
Other names: R133W; NM_006193.2:c.397C>T; c.421C>T, p.Arg141Trp (NM_001366111.1); short protein forms R141W.
Identifiers: ClinVar variation 13791 (VCV000013791.28), dbSNP rs2233578, ClinGen allele CA123475.

ClinVar aggregate classification (germline): Benign/Likely benign. Review status: criteria provided, multiple submitters, no conflicts (2 of 4 stars). 9 submissions from 9 submitters: Benign (6); Likely benign (2). 1 of the submissions does not count toward it. Last evaluated 2026-01-22.

Conditions:
Monogenic diabetes. Identifiers: Orphanet 183625, MedGen C3888631, MONDO:0015967.
Diabetes mellitus, ketosis-prone, susceptibility to. Identifiers: MedGen C4016306.

Allele frequency attached by ClinVar (database versions not stated): ExAC 0.01661; gnomAD 0.02460 and 0.02654; 1000 Genomes Project 0.02556; TOPMed 0.02823; 1000 Genomes Project 30x 0.02920.

Submissions (9):

Labcorp Genetics (formerly Invitae), Labcorp
Classification: Benign. Last evaluated: 2026-01-22. Review status: criteria provided, single submitter. Criteria: Invitae Variant Classification Sherloc (09022015). Collection method: clinical testing. Allele origin: germline.

Blueprint Genetics
Classification: Likely benign. Last evaluated: 2024-11-18. Review status: criteria provided, single submitter. Criteria: ACMG Guidelines, 2015. Collection method: clinical testing. Allele origin: germline.

ARUP Laboratories, Molecular Genetics and Genomics, ARUP Laboratories
Classification: Benign. Last evaluated: 2023-11-29. Review status: criteria provided, single submitter. Criteria: ARUP Molecular Germline Variant Investigation Process 2024. Collection method: clinical testing. Allele origin: germline.

GeneDx
Classification: Benign. Last evaluated: 2018-12-03. Review status: criteria provided, single submitter. Criteria: GeneDx Variant Classification Process June 2021. Collection method: clinical testing. Allele origin: germline. Affected: yes.
Comment: This variant is associated with the following publications: (PMID: 25525159, 27013732, 20981092, 15509590, 16123375)

Personalized Diabetes Medicine Program, University of Maryland School of Medicine
Classification: Benign for Monogenic diabetes. Last evaluated: 2017-09-22. Review status: criteria provided, single submitter. Criteria: ACMG Guidelines, 2015. Collection method: research. Allele origin: unknown. Observed: 14 variant alleles, 12 heterozygotes, 2 homozygotes. Study: Personalized Diabetes Medicine Program.
Comment: ACMG Criteria:BS1 (9% MAF in Africans in 1000g), BS2 (194 controls and 198 cases in an online resource) + BP4, PP3 +BP6 (called benign by Chicago). Notes: May be causal in homozygous state. Susceptibility when homozygous (PMID 15509590), 37 hets and 3 homozygotes in 495 TODAY study

Genetic Services Laboratory, University of Chicago
Classification: Benign for AllHighlyPenetrant. Last evaluated: 2013-07-23. Review status: criteria provided, single submitter. Criteria: ACMG Guidelines, 2007. Collection method: clinical testing. Allele origin: germline. Inheritance: Autosomal dominant inheritance.

Breakthrough Genomics
Classification: Likely benign. Review status: criteria provided, single submitter. Criteria: ACMG Guidelines, 2015. Collection method: not provided. Allele origin: germline. Inheritance: Autosomal dominant inheritance. Affected: yes.

PreventionGenetics, part of Exact Sciences
Classification: Benign. Review status: criteria provided, single submitter. Criteria: ACMG Guidelines, 2015. Collection method: clinical testing. Allele origin: germline.

OMIM
Classification: risk factor for DIABETES MELLITUS, KETOSIS-PRONE, SUSCEPTIBILITY TO. Last evaluated: 2004-12-15. Review status: no assertion criteria provided. Collection method: literature only. Allele origin: germline. Not counted in ClinVar's aggregate classification.

Literature cited by the submitters: PubMed 15509590 (cited by Personalized Diabetes Medicine Program, University of Maryland School of Medicine and OMIM).